The following is an entry in ClinVar:

ClinVar aggregate classification (germline): Benign/Likely benign. Review status: criteria provided, multiple submitters, no conflicts (2 of 4 stars). 5 submissions from 5 submitters: Benign (4); Likely benign (1). Last evaluated 2026-05-11.

Conditions:
Brachydactyly type A1. Also called: FARABEE-TYPE BRACHYDACTYLY; SHORT STATURE WITH NONSPECIFIC SKELETAL ABNORMALITIES 2. Identifiers: Orphanet 93388, MedGen C1862151, MONDO:0007215, OMIM 112500, HP:0009371.

Allele frequency attached by ClinVar (database versions not stated): gnomAD exomes 0.00183 and 0.00492; ExAC 0.00580; gnomAD 0.01904 and 0.02052; ESP Exome Variant Server 0.01991; TOPMed 0.02162; 1000 Genomes Project 0.02216; 1000 Genomes Project 30x 0.02327.
gnomAD v4.1: 5,739 of 1,613,800 alleles (0.36%); highest among the groups gnomAD compares: African/African-American, 6.6%; 203 homozygotes.

Submissions (5):

Women's Health and Genetics/Laboratory Corporation of America, LabCorp
Classification: Likely benign. Last evaluated: 2026-05-11. Review status: criteria provided, single submitter. Criteria: LabCorp Variant Classification Summary - May 2015. Collection method: clinical testing. Allele origin: germline.

Labcorp Genetics (formerly Invitae), Labcorp
Classification: Benign. Last evaluated: 2026-01-28. Review status: criteria provided, single submitter. Criteria: Invitae Variant Classification Sherloc (09022015). Collection method: clinical testing. Allele origin: germline.

GeneDx
Classification: Benign. Last evaluated: 2020-10-18. Review status: criteria provided, single submitter. Criteria: GeneDx Variant Classification Process June 2021. Collection method: clinical testing. Allele origin: germline. Affected: yes.

Illumina Laboratory Services, Illumina
Classification: Benign for Brachydactyly type A1. Last evaluated: 2018-01-12. Review status: criteria provided, single submitter. Criteria: ICSL Variant Classification Criteria 13 December 2019. Collection method: clinical testing. Allele origin: germline.
Comment: This variant was observed in the ICSL laboratory as part of a predisposition screen in an ostensibly healthy population. It had not been previously curated by ICSL or reported in the Human Gene Mutation Database (HGMD: prior to June 1st, 2018), and was therefore a candidate for classification through an automated scoring system. Utilizing variant allele frequency, disease prevalence and penetrance estimates, and inheritance mode, an automated score was calculated to assess if this variant is too frequent to cause the disease. Based on the score and internal cut-off values, a variant classified as benign is not then subjected to further curation. The score for this variant resulted in a classification of benign for this disease.

Breakthrough Genomics
Classification: Benign. Review status: criteria provided, single submitter. Criteria: ACMG Guidelines, 2015. Collection method: not provided. Allele origin: germline. Inheritance: Autosomal recessive inheritance. Affected: yes.

NM_002181.4(IHH):c.755A>G (p.His252Arg)

Gene: IHH (Indian hedgehog signaling molecule; minus strand). Cytogenetic location: 2q35.
Variant type: single nucleotide variant.
Coding change: c.755A>G on transcript NM_002181.4 (MANE Select); coding-DNA position 755, A replaced by G.
Protein change: p.His252Arg; replaces histidine 252 with arginine.
Molecular consequence: missense variant.
Genome position (GRCh38, 1-based): chr2:219,055,688, T>C on the plus strand (A>G on the coding strand, the complement: IHH is on the minus strand). VCF-style: chr2-219055688-T-C. GRCh37 (hg19) VCF-style: chr2-219920410-T-C.
Other names: short protein forms H252R.
Identifiers: ClinVar variation 334439 (VCV000334439.19), dbSNP rs76479554, ClinGen allele CA2116616.